The following is an entry in ClinVar:

NM_000038.6(APC):c.423-256G>A

Gene: APC (APC regulator of WNT signaling pathway; plus strand). Cytogenetic location: 5q22.2.
Variant type: single nucleotide variant.
Coding change: c.423-256G>A on transcript NM_000038.6 (MANE Select); 256 bases into the intron before coding-DNA position 423, G replaced by A.
Molecular consequence: intron variant.
Genome position (GRCh38, 1-based): chr5:112,775,373, G>A. VCF-style: chr5-112775373-G-A. GRCh37 (hg19) VCF-style: chr5-112111070-G-A.
Other names: c.423-256G>A (NM_001354895.2, NM_001127510.3, NM_001354896.2 and 2 more transcripts); c.453-256G>A (NM_001354897.2, NM_001354902.2, NM_001127511.3); c.348-256G>A (NM_001354898.2, NM_001354904.2); c.-613-256G>A (NM_001354906.2); c.246-256G>A (NM_001354900.2, NM_001354901.2, NM_001354905.2).
Identifiers: ClinVar variation 82910 (VCV000082910.4), dbSNP rs392179, ClinGen allele CA009230.

ClinVar aggregate classification (germline): Benign. Review status: criteria provided, single submitter (1 of 4 stars). 2 submissions from 2 submitters: Benign (1). 1 of the submissions does not count toward it. Last evaluated 2018-06-22.

Conditions:
Familial colorectal cancer. Identifiers: MedGen CN280943, MONDO:0023113. Disease mechanism: loss of function.

Allele frequency attached by ClinVar (database versions not stated): TOPMed 0.97959; 1000 Genomes Project 30x 0.98001; gnomAD 0.98018; 1000 Genomes Project 0.98243.
gnomAD v4.1: 149,470 of 152,224 alleles (98%); highest among the groups gnomAD compares: Middle Eastern, 100%; 73,445 homozygotes.

Submissions (2):

GeneDx
Classification: Benign. Last evaluated: 2018-06-22. Review status: criteria provided, single submitter. Criteria: GeneDx Variant Classification Process June 2021. Collection method: clinical testing. Allele origin: germline. Affected: yes.

Systems Biology Platform Zhejiang California International NanoSystems Institute
Classification: other for Familial colorectal cancer. Review status: no assertion criteria provided. Collection method: not provided. Allele origin: unknown. Not counted in ClinVar's aggregate classification.
ClinVar note: Converted during submission from cancer to other.